The following is an entry in ClinVar:

NM_198506.5(LRIT3):c.1762del (p.Thr588fs)

Gene: LRIT3 (leucine rich repeat, Ig-like and transmembrane domains 3; plus strand). Cytogenetic location: 4q25.
Variant type: Deletion.
Coding change: c.1762del on transcript NM_198506.5 (MANE Select); coding-DNA position 1762, one base deleted (A; older notation c.1762delA).
Protein change: p.Thr588fs; shifts the reading frame from threonine 588.
Molecular consequence: frameshift variant.
Genome position (GRCh38, 1-based): chr4:109,870,511, A deleted. VCF-style (leftmost placement, unchanged base first): chr4-109870510-GA-G. GRCh37 (hg19) VCF-style: chr4-110791666-GA-G.
Other names: short protein forms T588fs.
Identifiers: ClinVar variation 4706119 (VCV004706119.1).

ClinVar aggregate classification (germline): Uncertain significance (1 of 4 stars; one submission).

Submission:

Labcorp Genetics (formerly Invitae), Labcorp
Classification: Uncertain significance. Last evaluated: 2026-01-23. Review status: criteria provided, single submitter. Criteria: Invitae Variant Classification Sherloc (09022015). Collection method: clinical testing. Allele origin: germline.
Comment: This sequence change creates a premature translational stop signal (p.Thr588Profs*11) in the LRIT3 gene. While this is not anticipated to result in nonsense mediated decay, it is expected to disrupt the last 92 amino acid(s) of the LRIT3 protein. This variant is present in population databases (rs767659988, gnomAD 0.002%). This variant has not been reported in the literature in individuals affected with LRIT3-related conditions. Experimental studies and prediction algorithms are not available or were not evaluated, and the functional significance of this variant is currently unknown. In summary, the available evidence is currently insufficient to determine the role of this variant in disease. Therefore, it has been classified as a Variant of Uncertain Significance.